The following is an entry in ClinVar:

ClinVar aggregate classification (germline): Pathogenic/Likely pathogenic. Review status: criteria provided, multiple submitters, no conflicts (2 of 4 stars). 8 submissions from 8 submitters: Pathogenic (7); Likely pathogenic (1). Last evaluated 2025-09-01.

Conditions:
Myopathy, autophagic vacuolar, infantile-onset. Identifiers: MedGen C2931230, MONDO:0012286, OMIM 609500.
GNE myopathy (NM). Also called: NONAKA DISTAL MYOPATHY; INCLUSION BODY MYOPATHY, HEREDITARY, AUTOSOMAL RECESSIVE; INCLUSION BODY MYOPATHY 2, AUTOSOMAL RECESSIVE; MYOPATHY, DISTAL, WITH OR WITHOUT RIMMED VACUOLES; Inclusion body myopathy autosomal recessive; Inclusion body myopathy quadriceps sparing. Identifiers: Orphanet 602, MedGen C1853926, MONDO:0011603, OMIM 605820.
Sialuria. Also called: Sialic Acid Storage Disease; SIALURIA, FRENCH TYPE. Identifiers: Orphanet 3166, MedGen C0342853, MONDO:0010028, OMIM 269921.
Thrombocytopenia 12 with or without myopathy (THC12). Identifiers: MedGen C5935593, MONDO:0958325, OMIM 620757.

Allele frequency attached by ClinVar (database versions not stated): gnomAD exomes 0.00001 and 0.00002; TOPMed 0.00001; gnomAD 0.00001.
gnomAD v4.1: 31 of 1,613,934 alleles (0.0019%); highest among the groups gnomAD compares: African/African-American, 0.0053%; no homozygotes.

Submissions (8):

Natera, Inc.
Classification: Pathogenic for Nonaka myopathy. Last evaluated: 2025-09-01. Review status: criteria provided, single submitter. Criteria: Natera Variant Classification Schema (03/2026). Collection method: clinical testing. Allele origin: germline.
Comment: The c.2116T>C variant in GNE is a missense variant predicted to cause substitution of tyrosine to histidine at amino acid 706. This variant is rare in the general population with a frequency below the threshold expected for the associated phenotype(s). This variant has been observed in one or more individuals affected with the associated recessive disease, as either homozygous or compound heterozygous with a second variant (PMID: 29406958, 12409274). Additionally, this variant has been observed to segregate in affected family members (PMID: 29406958, 12409274). Given the available evidence, this variant is classified as Pathogenic.

Labcorp Genetics (formerly Invitae), Labcorp
Classification: Pathogenic for Sialuria; GNE myopathy. Last evaluated: 2025-04-14. Review status: criteria provided, single submitter. Criteria: Invitae Variant Classification Sherloc (09022015). Collection method: clinical testing. Allele origin: germline.
Comment: This sequence change replaces tyrosine, which is neutral and polar, with histidine, which is basic and polar, at codon 706 of the GNE protein (p.Tyr706His). This variant is present in population databases (no rsID available, gnomAD 0.003%). This missense change has been observed in individual(s) with inclusion body myopathy (PMID: 12409274, 20059379, 29406958). In at least one individual the data is consistent with being in trans (on the opposite chromosome) from a pathogenic variant. It has also been observed to segregate with disease in related individuals. This variant is also known as p.Y675H. ClinVar contains an entry for this variant (Variation ID: 861130). Invitae Evidence Modeling of protein sequence and biophysical properties (such as structural, functional, and spatial information, amino acid conservation, physicochemical variation, residue mobility, and thermodynamic stability) has been performed for this missense variant. However, the output from this modeling did not meet the statistical confidence thresholds required to predict the impact of this variant on GNE protein function. For these reasons, this variant has been classified as Pathogenic.

Fulgent Genetics
Classification: Pathogenic for Sialuria; GNE myopathy; Thrombocytopenia 12 with or without myopathy. Last evaluated: 2024-04-16. Review status: criteria provided, single submitter. Criteria: ACMG Guidelines, 2015. Collection method: clinical testing. Allele origin: germline.

Baylor Genetics
Classification: Pathogenic for GNE myopathy. Last evaluated: 2024-03-27. Review status: criteria provided, single submitter. Criteria: ACMG Guidelines, 2015. Collection method: clinical testing. Allele origin: unknown.

Muscle and Diseases Team, Institut de Génétique et Biologie Moléculaire et Cellulaire
Classification: Likely pathogenic for Myopathy, autophagic vacuolar, infantile-onset. Last evaluated: 2024-03-01. Review status: criteria provided, single submitter. Criteria: ACMG Guidelines, 2015. Collection method: research. Allele origin: germline. Affected: yes. Observed: 1 variant allele.
Comment: PM1+PM2+PP2+PP3+PP4+PP5

Women's Health and Genetics/Laboratory Corporation of America, LabCorp
Classification: Pathogenic for GNE myopathy. Last evaluated: 2022-12-27. Review status: criteria provided, single submitter. Criteria: LabCorp Variant Classification Summary - May 2015. Collection method: clinical testing. Allele origin: germline.
Comment: Variant summary: GNE c.2116T>C (p.Tyr706His) results in a conservative amino acid change in the encoded protein sequence. Three of five in-silico tools predict a damaging effect of the variant on protein function. The variant allele was found at a frequency of 1.2e-05 in 251474 control chromosomes. c.2116T>C has been reported in the literature in multiple individuals affected with Inclusion Body Myopathy 2 or related disorders. These data indicate that the variant is very likely to be associated with disease. To our knowledge, no experimental evidence demonstrating an impact on protein function has been reported. One clinical diagnostic laboratory has submitted clinical-significance assessments for this variant to ClinVar after 2014 without evidence for independent evaluation and classified the variant as pathogenic. Based on the evidence outlined above, the variant was classified as pathogenic.

Laboratory of Medical Genetics, National & Kapodistrian University of Athens
Classification: Pathogenic for GNE myopathy. Last evaluated: 2022-12-19. Review status: criteria provided, single submitter. Criteria: ACMG Guidelines, 2015. Collection method: clinical testing. Allele origin: germline. Affected: yes.
Comment: PM1, PM2, PP2, PP3, PP5

Revvity Omics, Revvity
Classification: Pathogenic. Last evaluated: 2022-06-23. Review status: criteria provided, single submitter. Criteria: ACMG Guidelines, 2015. Collection method: clinical testing. Allele origin: germline.

Literature cited by the submitters: PubMed 29406958 (cited by 4 submitters); PubMed 12409274 (cited by 3 submitters); PubMed 20059379 (cited by Labcorp Genetics (formerly Invitae), Labcorp and Women's Health and Genetics/Laboratory Corporation of America, LabCorp); DOI 10.1186/s13073-024-01353-0 (cited by Muscle and Diseases Team, Institut de Génétique et Biologie Moléculaire et Cellulaire); PubMed 22231866 (cited by Women's Health and Genetics/Laboratory Corporation of America, LabCorp); PubMed 29305133 (cited by Women's Health and Genetics/Laboratory Corporation of America, LabCorp); PubMed 31167812 (cited by Women's Health and Genetics/Laboratory Corporation of America, LabCorp).

NM_005476.7(GNE):c.2023T>C (p.Tyr675His)

Gene: GNE (glucosamine (UDP-N-acetyl)-2-epimerase/N-acetylmannosamine kinase; minus strand). Cytogenetic location: 9p13.3.
Variant type: single nucleotide variant.
Coding change: c.2023T>C on transcript NM_005476.7 (MANE Select); coding-DNA position 2023, T replaced by C.
Protein change: p.Tyr675His; replaces tyrosine 675 with histidine.
Molecular consequence: missense variant.
Genome position (GRCh38, 1-based): chr9:36,217,511, A>G on the plus strand (T>C on the coding strand, the complement: GNE is on the minus strand). VCF-style: chr9-36217511-A-G. GRCh37 (hg19) VCF-style: chr9-36217508-A-G.
Other names: c.2116T>C, p.Tyr706His (NM_001128227.3); c.1801T>C, p.Tyr601His (NM_001190383.3); c.1693T>C, p.Tyr565His (NM_001190384.3); c.1846T>C, p.Tyr616His (NM_001190388.2, NM_001374798.1); c.1870T>C, p.Tyr624His (NM_001374797.1); short protein forms Y565H, Y601H, Y616H, Y624H, Y675H, Y706H.
Identifiers: ClinVar variation 861130 (VCV000861130.18), dbSNP rs1191857860, ClinGen allele CA373424589.
Genomic context (GRCh38, chr9:36,217,511, plus strand): 5'-CCACGTCCTGCACGGAGGACAAGGCCTGCTGGCGAATGACGTCTTTGACAATGTGGATAT[A>G]GTGACTGGCCAGGACTCCGGAGAGGATCACAAGGGAGGGATTCATGGTATGGAGGATGTT-3'
Protein context (NP_005467.1, residues 665-685): VILSGVLASH[Tyr675His]IHIVKDVIRQ